The following is an entry in ClinVar:

NM_004260.4(RECQL4):c.1625C>T (p.Ser542Phe)

Gene: RECQL4 (RecQ like helicase 4; minus strand). Cytogenetic location: 8q24.3.
Variant type: single nucleotide variant.
Coding change: c.1625C>T on transcript NM_004260.4 (MANE Select); coding-DNA position 1625, C replaced by T.
Protein change: p.Ser542Phe; replaces serine 542 with phenylalanine.
Molecular consequence: missense variant.
Genome position (GRCh38, 1-based): chr8:144,514,521, G>A on the plus strand (C>T on the coding strand, the complement: RECQL4 is on the minus strand). VCF-style: chr8-144514521-G-A. GRCh37 (hg19) VCF-style: chr8-145739905-G-A.
Other names: short protein forms S542F.
Identifiers: ClinVar variation 135126 (VCV000135126.38), dbSNP rs369852601, ClinGen allele CA161809.

ClinVar aggregate classification (germline): Benign. Review status: criteria provided, multiple submitters, no conflicts (2 of 4 stars). 7 submissions from 6 submitters: Benign (5). 2 of the submissions do not count toward it. Last evaluated 2026-01-31.

Conditions:
Rothmund-Thomson syndrome type 2 (RTS2). Identifiers: Orphanet 221016, MedGen C5203410, MONDO:0016369, OMIM 268400.
RECQL4-related disorder. Also called: RECQL4-related condition; RECQL4-related disorders.
Baller-Gerold syndrome (BGS). Also called: CRANIOSYNOSTOSIS WITH RADIAL DEFECTS. Identifiers: Orphanet 1225, MedGen C0265308, MONDO:0009039, OMIM 218600.
Rapadilino syndrome. Identifiers: Orphanet 3021, MedGen C1849453, MONDO:0009955, OMIM 266280.

Allele frequency attached by ClinVar (database versions not stated): ESP Exome Variant Server 0.00016; ExAC 0.00175; 1000 Genomes Project 0.00280; TOPMed 0.00017; gnomAD 0.00049 and 0.00008; gnomAD exomes 0.00083 and 0.00166; 1000 Genomes Project 30x 0.00328.
gnomAD v4.1: 1,301 of 1,611,196 alleles (0.081%); highest among the groups gnomAD compares: South Asian, 1.1%; 25 homozygotes.

Submissions (7):

Labcorp Genetics (formerly Invitae), Labcorp
Classification: Benign for Baller-Gerold syndrome. Last evaluated: 2026-01-31. Review status: criteria provided, single submitter. Criteria: Invitae Variant Classification Sherloc (09022015). Collection method: clinical testing. Allele origin: germline.

KCCC/NGS Laboratory, Kuwait Cancer Control Center
Classification: Benign for Rapadilino syndrome. Last evaluated: 2025-02-01. Review status: criteria provided, single submitter. Criteria: ACMG Guidelines, 2015. Collection method: clinical testing. Allele origin: germline. Affected: no.

CeGaT Center for Human Genetics Tuebingen
Classification: Benign. Last evaluated: 2024-07-01. Review status: criteria provided, single submitter. Criteria: CeGaT Center For Human Genetics Tuebingen Variant Classification Criteria Version 2. Collection method: clinical testing. Allele origin: germline. Affected: yes. Observed: 6 variant alleles.
Comment: RECQL4: BS1, BS2

KCCC/NGS Laboratory, Kuwait Cancer Control Center
Classification: Benign for Rothmund-Thomson syndrome type 2. Last evaluated: 2023-07-07. Review status: criteria provided, single submitter. Criteria: ACMG Guidelines, 2015. Collection method: clinical testing. Allele origin: germline. Affected: yes.

Breakthrough Genomics
Classification: Benign. Review status: criteria provided, single submitter. Criteria: ACMG Guidelines, 2015. Collection method: not provided. Allele origin: germline. Inheritance: Autosomal recessive inheritance. Affected: yes.

PreventionGenetics, part of Exact Sciences
Classification: Likely benign for RECQL4-related condition. Last evaluated: 2019-06-30. Review status: no assertion criteria provided. Collection method: clinical testing. Allele origin: germline. Not counted in ClinVar's aggregate classification.
Comment: This variant is classified as likely benign based on ACMG/AMP sequence variant interpretation guidelines (Richards et al. 2015 PMID: 25741868, with internal and published modifications).

ITMI
No classification provided. Condition: AllHighlyPenetrant. Last evaluated: 2013-09-19. Review status: no classification provided. Collection method: reference population. Allele origin: germline. Not counted in ClinVar's aggregate classification.
Comment: Please see associated publication for description of ethnicities

Literature cited by the submitters: PubMed 24728327 (cited by ITMI).